The following is an entry in ClinVar:

ClinVar aggregate classification (germline): Likely benign. Review status: criteria provided, single submitter (1 of 4 stars). 2 submissions from 2 submitters: Likely benign (1). 1 of the submissions does not count toward it. Last evaluated 2025-01-01.

Conditions:
FGFR3-related disorder. Also called: FGFR3-related disorders.

Allele frequency attached by ClinVar (database versions not stated): gnomAD 0.00001; TOPMed 0.00001.

Submissions (2):

Labcorp Genetics (formerly Invitae), Labcorp
Classification: Likely benign. Last evaluated: 2025-01-01. Review status: criteria provided, single submitter. Criteria: Invitae Variant Classification Sherloc (09022015). Collection method: clinical testing. Allele origin: germline.

PreventionGenetics, part of Exact Sciences
Classification: Likely benign for FGFR3-related condition. Last evaluated: 2019-10-14. Review status: no assertion criteria provided. Collection method: clinical testing. Allele origin: germline. Not counted in ClinVar's aggregate classification.
Comment: This variant is classified as likely benign based on ACMG/AMP sequence variant interpretation guidelines (Richards et al. 2015 PMID: 25741868, with internal and published modifications).

NM_000142.5(FGFR3):c.363C>T (p.Phe121=)

Gene: FGFR3 (fibroblast growth factor receptor 3; plus strand). Cytogenetic location: 4p16.3.
Variant type: single nucleotide variant.
Coding change: c.363C>T on transcript NM_000142.5 (MANE Select); coding-DNA position 363, C replaced by T.
Protein change: p.Phe121=; no amino-acid change (phenylalanine 121 retained).
Molecular consequence: synonymous variant. On other transcripts: non-coding transcript variant (1).
Genome position (GRCh38, 1-based): chr4:1,799,507, C>T. VCF-style: chr4-1799507-C-T. GRCh37 (hg19) VCF-style: chr4-1801234-C-T.
Other names: c.363C>T, p.Phe121= (NM_001163213.2, NM_001354809.2, NM_001354810.2 and 1 more transcripts).
Identifiers: ClinVar variation 3045150 (VCV003045150.4), dbSNP rs1225978642, ClinGen allele CA438062685.